The following is an entry in ClinVar:

ClinVar aggregate classification (germline): Uncertain significance (1 of 4 stars; one submission).

Submission:

Ambry Genetics
Classification: Uncertain significance. Last evaluated: 2026-06-15. Review status: criteria provided, single submitter. Criteria: Ambry Variant Classification Scheme 2023. Collection method: clinical testing. Allele origin: germline.
Comment: The p.L509S variant (also known as c.1526T>C), located in coding exon 1 of the MLH3 gene, results from a T to C substitution at nucleotide position 1526. The leucine at codon 509 is replaced by serine, an amino acid with dissimilar properties. This amino acid position is conserved. In addition, this alteration is predicted to be tolerated by in silico analysis. Based on the available evidence, the clinical significance of this variant remains unclear.

NM_001040108.2(MLH3):c.1526T>C (p.Leu509Ser)

Gene: MLH3 (mutL homolog 3; minus strand). Cytogenetic location: 14q24.3.
Variant type: single nucleotide variant.
Coding change: c.1526T>C on transcript NM_001040108.2 (MANE Select); coding-DNA position 1526, T replaced by C.
Protein change: p.Leu509Ser; replaces leucine 509 with serine.
Molecular consequence: missense variant.
Genome position (GRCh38, 1-based): chr14:75,048,130, A>G on the plus strand (T>C on the coding strand, the complement: MLH3 is on the minus strand). VCF-style: chr14-75048130-A-G. GRCh37 (hg19) VCF-style: chr14-75514833-A-G.
Other names: c.1526T>C, p.Leu509Ser (NM_014381.3); short protein forms L509S.
Identifiers: ClinVar variation 5024565 (VCV005024565.1).